The following is an entry in ClinVar:

ClinVar aggregate classification (germline): Likely benign. Review status: criteria provided, multiple submitters, no conflicts (2 of 4 stars). 3 submissions from 3 submitters: Likely benign (3). Last evaluated 2025-04-26.

Conditions:
CNGA3-related disorder. Also called: CNGA3-related condition.

Allele frequency attached by ClinVar (database versions not stated): gnomAD exomes 0.00012; 1000 Genomes Project 30x 0.00016; ExAC 0.00016; 1000 Genomes Project 0.00020; ESP Exome Variant Server 0.00031; gnomAD 0.00031 and 0.00032; TOPMed 0.00036.
gnomAD v4.1: 172 of 1,612,546 alleles (0.011%); highest among the groups gnomAD compares: African/African-American, 0.06%; no homozygotes.

Submissions (3):

Labcorp Genetics (formerly Invitae), Labcorp
Classification: Likely benign. Last evaluated: 2025-04-26. Review status: criteria provided, single submitter. Criteria: Invitae Variant Classification Sherloc (09022015). Collection method: clinical testing. Allele origin: germline.

PreventionGenetics, part of Exact Sciences
Classification: Likely benign for CNGA3-related condition. Last evaluated: 2024-11-22. Review status: criteria provided, single submitter. Criteria: ACMG Guidelines, 2015. Collection method: clinical testing. Allele origin: germline.
Comment: This variant is classified as likely benign based on ACMG/AMP sequence variant interpretation guidelines (Richards et al. 2015 PMID: 25741868, with internal and published modifications).

Blueprint Genetics
Classification: Likely benign. Last evaluated: 2024-11-21. Review status: criteria provided, single submitter. Criteria: ACMG Guidelines, 2015. Collection method: clinical testing. Allele origin: germline.

NM_001298.3(CNGA3):c.180C>T (p.Ser60=)

Gene: CNGA3 (cyclic nucleotide gated channel subunit alpha 3; plus strand). Cytogenetic location: 2q11.2.
Variant type: single nucleotide variant.
Coding change: c.180C>T on transcript NM_001298.3 (MANE Select); coding-DNA position 180, C replaced by T.
Protein change: p.Ser60=; no amino-acid change (serine 60 retained).
Molecular consequence: synonymous variant.
Genome position (GRCh38, 1-based): chr2:98,377,765, C>T. VCF-style: chr2-98377765-C-T. GRCh37 (hg19) VCF-style: chr2-98994228-C-T.
Other names: c.180C>T, p.Ser60= (NM_001079878.2).
Identifiers: ClinVar variation 724173 (VCV000724173.11), dbSNP rs372760840, ClinGen allele CA1793600.